The following is an entry in ClinVar:

NM_002242.4(KCNJ13):c.685A>G (p.Ile229Val)

Genes: GIGYF2 (GRB10 interacting GYF protein 2; plus strand), KCNJ13 (potassium inwardly rectifying channel subfamily J member 13; minus strand). Cytogenetic location: 2q37.1.
Variant type: single nucleotide variant.
Coding change: c.685A>G on transcript NM_002242.4 (MANE Select); coding-DNA position 685, A replaced by G.
Protein change: p.Ile229Val; replaces isoleucine 229 with valine.
Molecular consequence: missense variant. On other transcripts: 3 prime UTR variant (1), intron variant (4).
Genome position (GRCh38, 1-based): chr2:232,768,589, T>C on the plus strand (A>G on the coding strand, the complement: KCNJ13 is on the minus strand). VCF-style: chr2-232768589-T-C. GRCh37 (hg19) VCF-style: chr2-233633299-T-C.
Other names: c.*164A>G (NM_001172416.1); c.445A>G, p.Ile149Val (NM_001172417.1); c.532+7153T>C (NM_001103146.3, NM_015575.4, NM_001103147.2 and 1 more transcripts); short protein forms I149V, I229V.
Identifiers: ClinVar variation 4773329 (VCV004773329.1).

ClinVar aggregate classification (germline): Uncertain significance (1 of 4 stars; one submission).

Submission:

Labcorp Genetics (formerly Invitae), Labcorp
Classification: Uncertain significance. Last evaluated: 2025-12-25. Review status: criteria provided, single submitter. Criteria: Invitae Variant Classification Sherloc (09022015). Collection method: clinical testing. Allele origin: germline.
Comment: This sequence change replaces isoleucine, which is neutral and non-polar, with valine, which is neutral and non-polar, at codon 229 of the KCNJ13 protein (p.Ile229Val). This variant is not present in population databases (gnomAD no frequency). This variant has not been reported in the literature in individuals affected with KCNJ13-related conditions. Invitae Evidence Modeling of protein sequence and biophysical properties (such as structural, functional, and spatial information, amino acid conservation, physicochemical variation, residue mobility, and thermodynamic stability) indicates that this missense variant is not expected to disrupt KCNJ13 protein function with a negative predictive value of 80%. In summary, the available evidence is currently insufficient to determine the role of this variant in disease. Therefore, it has been classified as a Variant of Uncertain Significance.